The following is an entry in ClinVar:

NM_005029.4(PITX3):c.646C>T (p.Gln216Ter)

Genes: GBF1 (golgi brefeldin A resistant guanine nucleotide exchange factor 1; plus strand), PITX3 (paired like homeodomain 3; minus strand). Cytogenetic location: 10q24.32.
Variant type: single nucleotide variant.
Coding change: c.646C>T on transcript NM_005029.4 (MANE Select); coding-DNA position 646, C replaced by T.
Protein change: p.Gln216Ter; replaces glutamine 216 with a stop codon.
Molecular consequence: nonsense.
Genome position (GRCh38, 1-based): chr10:102,230,777, G>A on the plus strand (C>T on the coding strand, the complement: PITX3 is on the minus strand). VCF-style: chr10-102230777-G-A. GRCh37 (hg19) VCF-style: chr10-103990534-G-A.
Other names: short protein forms Q216*.
Identifiers: ClinVar variation 372897 (VCV000372897.1), dbSNP rs1057518058, ClinGen allele CA16042675.

ClinVar aggregate classification (germline): Likely pathogenic. Review status: criteria provided, multiple submitters, no conflicts (2 of 4 stars). 2 submissions from 2 submitters: Likely pathogenic (2). Last evaluated 2025-05-13.

Conditions:
Cataract 11 multiple types. Also called: Cataract 11. Identifiers: Orphanet 91492, MedGen C1864567, MONDO:0012527, OMIM 610623.

Submissions (2):

Variantyx, Inc.
Classification: Likely pathogenic for Cataract 11 multiple types. Last evaluated: 2025-05-13. Review status: criteria provided, single submitter. Criteria: Variantyx Assertion Criteria 2022. Collection method: clinical testing. Allele origin: germline. Inheritance: Autosomal dominant inheritance. Affected: yes.
Comment: This is a nonsense variant in the PITX3 gene (OMIM: 602669). Pathogenic variants in this gene have been associated with autosomal dominant Cataract 11. This variant introduces a premature termination codon in exon 4 out of 4 and is expected to result in loss of function, which is a known disease mechanism for PITX3 in this disorder (PMID: 24555714) (PVS1). This variant is absent from control populations (PM2). Based on the current evidence, this variant is classified as likely pathogenic for autosomal dominant Cataract 11.

GeneDx
Classification: Likely pathogenic. Last evaluated: 2016-02-10. Review status: criteria provided, single submitter. Criteria: GeneDx Variant Classification (06012015). Collection method: clinical testing. Allele origin: germline. Affected: yes.
Comment: The Q216X variant in the PITX3 gene has not been reported previously as a pathogenic variant nor as a benign variant, to our knowledge. This variant is predicted to cause loss of normal protein function through protein truncation. The Q216X variant was not observed in approximately 4000 individuals of European and African American ancestry in the NHLBI Exome Sequencing Project, indicating it is not a common benign variant in these populations. The Q216X variant is a strong candidate for a pathogenic variant, however the possibility it may be a rare benign variant cannot be excluded.

Literature cited by the submitters: PubMed 24555714 (cited by Variantyx, Inc.).